The following is an entry in ClinVar:

NM_004341.5(CAD):c.4955G>A (p.Arg1652His)

Gene: CAD (carbamoyl-phosphate synthetase 2, aspartate transcarbamylase, and dihydroorotase; plus strand). Cytogenetic location: 2p23.3.
Variant type: single nucleotide variant.
Coding change: c.4955G>A on transcript NM_004341.5 (MANE Select); coding-DNA position 4955, G replaced by A.
Protein change: p.Arg1652His; replaces arginine 1652 with histidine.
Molecular consequence: missense variant.
Genome position (GRCh38, 1-based): chr2:27,238,525, G>A. VCF-style: chr2-27238525-G-A. GRCh37 (hg19) VCF-style: chr2-27461393-G-A.
Other names: c.4766G>A, p.Arg1589His (NM_001306079.2); short protein forms R1652H, R1589H.
Identifiers: ClinVar variation 1430059 (VCV001430059.8), dbSNP rs745334945, ClinGen allele CA1573705.
Genomic context (GRCh38, chr2:27,238,525, plus strand): 5'-TGCCAGTGACCTGCGAGGTGGCTCCCCACCACCTGTTCCTAAGCCATGATGACCTGGAGC[G>A]CCTGGGGCCTGGGAAGGGGGAGGTCCGGCCTGAGCTTGGCTCCCGCCAGGATGTGGAAGC-3'
Protein context (NP_004332.2, residues 1642-1662): HLFLSHDDLE[Arg1652His]LGPGKGEVRP

ClinVar aggregate classification (germline): Uncertain significance. Review status: criteria provided, multiple submitters, no conflicts (2 of 4 stars). 4 submissions from 4 submitters: Uncertain significance (4). Last evaluated 2026-02-18.

Conditions:
Inborn genetic diseases. Identifiers: MedGen C0950123, MeSH D030342.

Allele frequency attached by ClinVar (database versions not stated): TOPMed 0.00007; gnomAD 0.00008 and 0.00007; ExAC 0.00002; gnomAD exomes 0.00003.
gnomAD v4.1: 50 of 1,613,800 alleles (0.0031%); highest among the groups gnomAD compares: Admixed American, 0.0083%; no homozygotes.

Submissions (4):

Women's Health and Genetics/Laboratory Corporation of America, LabCorp
Classification: Uncertain significance. Last evaluated: 2026-02-18. Review status: criteria provided, single submitter. Criteria: LabCorp Variant Classification Summary - May 2015. Collection method: clinical testing. Allele origin: germline.
Comment: Variant summary: CAD c.4955G>A (p.Arg1652His) results in a non-conservative amino acid change in the encoded protein sequence. Algorithms developed to predict the effect of missense changes on protein structure and function are either unavailable or do not agree on the potential impact of this missense change. The variant allele was found at a frequency of 3.2e-05 in 250380 control chromosomes. The available data on variant occurrences in the general population are insufficient to allow any conclusion about variant significance. To our knowledge, no occurrence of c.4955G>A in individuals affected with CAD-related conditions and no experimental evidence demonstrating its impact on protein function have been reported. ClinVar contains an entry for this variant (Variation ID: 1430059). Based on the evidence outlined above, the variant was classified as uncertain significance.

Ambry Genetics
Classification: Uncertain significance for Inborn genetic diseases. Last evaluated: 2024-03-28. Review status: criteria provided, single submitter. Criteria: Ambry Variant Classification Scheme 2023. Collection method: clinical testing. Allele origin: germline.

GeneDx
Classification: Uncertain significance. Last evaluated: 2022-10-07. Review status: criteria provided, single submitter. Criteria: GeneDx Variant Classification Process June 2021. Collection method: clinical testing. Allele origin: germline. Affected: yes.
Comment: In silico analysis supports that this missense variant does not alter protein structure/function; Has not been previously published as pathogenic or benign to our knowledge

Labcorp Genetics (formerly Invitae), Labcorp
Classification: Uncertain significance. Last evaluated: 2022-02-09. Review status: criteria provided, single submitter. Criteria: Invitae Variant Classification Sherloc (09022015). Collection method: clinical testing. Allele origin: germline.
Comment: This sequence change replaces arginine, which is basic and polar, with histidine, which is basic and polar, at codon 1652 of the CAD protein (p.Arg1652His). This variant is present in population databases (rs745334945, gnomAD 0.006%). This variant has not been reported in the literature in individuals affected with CAD-related conditions. Algorithms developed to predict the effect of missense changes on protein structure and function output the following: SIFT: "Tolerated"; PolyPhen-2: "Benign"; Align-GVGD: "Class C0". The histidine amino acid residue is found in multiple mammalian species, which suggests that this missense change does not adversely affect protein function. In summary, the available evidence is currently insufficient to determine the role of this variant in disease. Therefore, it has been classified as a Variant of Uncertain Significance.